The following is an entry in ClinVar:

ClinVar aggregate classification (germline): Uncertain significance (1 of 4 stars; one submission).

Conditions:
Ehlers-Danlos syndrome, classic type, 1 (EDSCL1). Also called: EHLERS-DANLOS SYNDROME, GRAVIS TYPE; EHLERS-DANLOS SYNDROME, SEVERE CLASSIC TYPE; Ehlers-Danlos syndrome, type 1; EDS I; Ehlers-Danlos Syndrome, Classic Type, COL5A1-Related. Identifiers: MedGen C0268335, MONDO:0019567, OMIM 130000.

Submission:

Labcorp Genetics (formerly Invitae), Labcorp
Classification: Uncertain significance for Ehlers-Danlos syndrome, classic type, 1. Last evaluated: 2024-10-05. Review status: criteria provided, single submitter. Criteria: Invitae Variant Classification Sherloc (09022015). Collection method: clinical testing. Allele origin: germline.
Comment: This sequence change replaces glycine, which is neutral and non-polar, with arginine, which is basic and polar, at codon 1537 of the COL5A1 protein (p.Gly1537Arg). This variant is not present in population databases (gnomAD no frequency). This variant has not been reported in the literature in individuals affected with COL5A1-related conditions. ClinVar contains an entry for this variant (Variation ID: 1363748). Experimental studies and prediction algorithms are not available or were not evaluated, and the functional significance of this variant is currently unknown. This variant disrupts the triple helix domain of COL5A1. Glycine residues within the Gly-Xaa-Yaa repeats of the triple helix domain are required for the structure and stability of fibrillar collagens (PMID: 7695699, 8218237, 19344236), and variants at these glycine residues in COL5A1 are more frequently observed in individuals with disease than in the general population (PMID: 22696272, 23587214). However, the clinical significance of this observation remains uncertain since only a limited number of affected individuals have been described to date. In summary, the available evidence is currently insufficient to determine the role of this variant in disease. Therefore, it has been classified as a Variant of Uncertain Significance.

Literature cited by the submitters: PubMed 7695699; PubMed 8218237; PubMed 19344236; PubMed 22696272; PubMed 23587214.

NM_000093.5(COL5A1):c.4609G>C (p.Gly1537Arg)

Genes: COL5A1 (collagen type V alpha 1 chain; plus strand), LOC101448202 (uncharacterized LOC101448202; minus strand). Cytogenetic location: 9q34.3.
Variant type: single nucleotide variant.
Coding change: c.4609G>C on transcript NM_000093.5 (MANE Select); coding-DNA position 4609, G replaced by C.
Protein change: p.Gly1537Arg; replaces glycine 1537 with arginine.
Molecular consequence: missense variant.
Genome position (GRCh38, 1-based): chr9:134,822,998, G>C. VCF-style: chr9-134822998-G-C. GRCh37 (hg19) VCF-style: chr9-137714844-G-C.
Other names: c.4609G>C, p.Gly1537Arg (NM_001278074.1); short protein forms G1537R.
Identifiers: ClinVar variation 1363748 (VCV001363748.8), dbSNP rs2132877751, ClinGen allele CA375458072.